The following is an entry in ClinVar:

ClinVar aggregate classification (germline): Uncertain significance. Review status: criteria provided, multiple submitters, no conflicts (2 of 4 stars). 4 submissions from 4 submitters: Uncertain significance (4). Last evaluated 2026-08-28.

Conditions:
LRP5-related disorder. Also called: LRP5-related condition.
Autosomal dominant osteopetrosis 1 (OPTA1). Also called: OSTEOPETROSIS, AUTOSOMAL DOMINANT, TYPE I. Identifiers: Orphanet 2783, MedGen C1843330, MONDO:0011877, OMIM 607634.
Worth disease. Also called: ENDOSTEAL HYPEROSTOSIS, AUTOSOMAL DOMINANT; OSTEOSCLEROSIS, AUTOSOMAL DOMINANT; Autosomal dominant osteosclerosis, Worth type. Identifiers: Orphanet 2790, MedGen C0432273, MONDO:0007764, OMIM 144750.
Polycystic liver disease 4 with or without kidney cysts. Identifiers: MedGen C4693479, MONDO:0044327, OMIM 617875.
Exudative vitreoretinopathy 4 (EVR4). Identifiers: Orphanet 891, MedGen C1866176, MONDO:0011151, OMIM 601813.
Osteoporosis with pseudoglioma (OPPG). Also called: osteoporosis-pseudoglioma syndrome. Identifiers: Orphanet 2788, MedGen C0432252, MONDO:0009820, OMIM 259770.
Bone mineral density quantitative trait locus 1 (BMND1). Identifiers: MedGen C1866079, OMIM 601884.

Allele frequency attached by ClinVar (database versions not stated): gnomAD 0.00002 and 0.00003; ExAC 0.00004; TOPMed 0.00005; gnomAD exomes 0.00006; 1000 Genomes Project 30x 0.00016; 1000 Genomes Project 0.00020.
gnomAD v4.1: 95 of 1,613,954 alleles (0.0059%); highest among the groups gnomAD compares: East Asian, 0.013%; no homozygotes.

Submissions (4):

PreventionGenetics, part of Exact Sciences
Classification: Uncertain significance for LRP5-related condition. Last evaluated: 2026-08-28. Review status: criteria provided, single submitter. Criteria: ACMG Guidelines, 2015. Collection method: clinical testing. Allele origin: germline.
Comment: The LRP5 c.2123C>T variant is predicted to result in the amino acid substitution p.Ser708Leu. This variant has been reported in the compound heterozygous state in an individual with familial exudative vitreoretinopathy (FEVR), who was also presenting with neurodevelopmental delay and hypoplasia of the corpus callosum (Amorelli et al. 2020. PubMed ID: 33104226). This variant is present in 0.0093% of alleles in individuals of European (Non-Finnish) descent in gnomAD. At this time, the clinical significance of this variant is uncertain due to the absence of conclusive functional and genetic evidence.

Labcorp Genetics (formerly Invitae), Labcorp
Classification: Uncertain significance. Last evaluated: 2025-08-26. Review status: criteria provided, single submitter. Criteria: Invitae Variant Classification Sherloc (09022015). Collection method: clinical testing. Allele origin: germline.
Comment: This sequence change replaces serine, which is neutral and polar, with leucine, which is neutral and non-polar, at codon 708 of the LRP5 protein (p.Ser708Leu). This variant is present in population databases (rs532035027, gnomAD 0.009%). This variant has not been reported in the literature in individuals affected with LRP5-related conditions. ClinVar contains an entry for this variant (Variation ID: 933748). Invitae Evidence Modeling of protein sequence and biophysical properties (such as structural, functional, and spatial information, amino acid conservation, physicochemical variation, residue mobility, and thermodynamic stability) indicates that this missense variant is not expected to disrupt LRP5 protein function with a negative predictive value of 95%. In summary, the available evidence is currently insufficient to determine the role of this variant in disease. Therefore, it has been classified as a Variant of Uncertain Significance.

Blueprint Genetics
Classification: Uncertain significance. Last evaluated: 2024-10-15. Review status: criteria provided, single submitter. Criteria: ACMG Guidelines, 2015. Collection method: clinical testing. Allele origin: germline.

Fulgent Genetics
Classification: Uncertain significance for Worth disease; Osteoporosis with pseudoglioma; Exudative vitreoretinopathy 4; Bone mineral density quantitative trait locus 1; Autosomal dominant osteopetrosis 1; Polycystic liver disease 4 with or without kidney cysts. Last evaluated: 2024-05-03. Review status: criteria provided, single submitter. Criteria: ACMG Guidelines, 2015. Collection method: clinical testing. Allele origin: germline.

NM_002335.4(LRP5):c.2123C>T (p.Ser708Leu)

Gene: LRP5 (LDL receptor related protein 5; plus strand). Cytogenetic location: 11q13.2.
Variant type: single nucleotide variant.
Coding change: c.2123C>T on transcript NM_002335.4 (MANE Select); coding-DNA position 2123, C replaced by T.
Protein change: p.Ser708Leu; replaces serine 708 with leucine.
Molecular consequence: missense variant.
Genome position (GRCh38, 1-based): chr11:68,409,945, C>T. VCF-style: chr11-68409945-C-T. GRCh37 (hg19) VCF-style: chr11-68177413-C-T.
Other names: c.380C>T, p.Ser127Leu (NM_001291902.2); short protein forms S708L, S127L.
Identifiers: ClinVar variation 933748 (VCV000933748.14), dbSNP rs532035027, ClinGen allele CA6149544.